The following is an entry in ClinVar:

NM_022168.4(IFIH1):c.680C>A (p.Thr227Asn)

Gene: IFIH1 (interferon induced with helicase C domain 1; minus strand). Cytogenetic location: 2q24.2.
Variant type: single nucleotide variant.
Coding change: c.680C>A on transcript NM_022168.4 (MANE Select); coding-DNA position 680, C replaced by A.
Protein change: p.Thr227Asn; replaces threonine 227 with asparagine.
Molecular consequence: missense variant.
Genome position (GRCh38, 1-based): chr2:162,306,798, G>T on the plus strand (C>A on the coding strand, the complement: IFIH1 is on the minus strand). VCF-style: chr2-162306798-G-T. GRCh37 (hg19) VCF-style: chr2-163163308-G-T.
Other names: short protein forms T227N.
Identifiers: ClinVar variation 2942890 (VCV002942890.3), dbSNP rs772677737, ClinGen allele CA349008533.

ClinVar aggregate classification (germline): Uncertain significance (1 of 4 stars; one submission).

Conditions:
Aicardi-Goutieres syndrome 7 (AGS7). Identifiers: Orphanet 51, MedGen C3888244, MONDO:0014367, OMIM 615846.
Singleton-Merten syndrome 1 (SGMRT1). Also called: Widened medullary cavities of bone, aortic calcification, abnormal dentition, and muscular weakness; Syndrome of widened medullary cavities of the metacarpals and phalanges, aortic calcification and abnormal dentition. Identifiers: Orphanet 85191, MedGen C4225427, MONDO:0024535, OMIM 182250.

Submission:

Labcorp Genetics (formerly Invitae), Labcorp
Classification: Uncertain significance for Aicardi-Goutieres syndrome 7; Singleton-Merten syndrome 1. Last evaluated: 2025-03-03. Review status: criteria provided, single submitter. Criteria: Invitae Variant Classification Sherloc (09022015). Collection method: clinical testing. Allele origin: germline.
Comment: This sequence change replaces threonine, which is neutral and polar, with asparagine, which is neutral and polar, at codon 227 of the IFIH1 protein (p.Thr227Asn). This variant is not present in population databases (gnomAD no frequency). This variant has not been reported in the literature in individuals affected with IFIH1-related conditions. ClinVar contains an entry for this variant (Variation ID: 2942890). Invitae Evidence Modeling of protein sequence and biophysical properties (such as structural, functional, and spatial information, amino acid conservation, physicochemical variation, residue mobility, and thermodynamic stability) has been performed for this missense variant. However, the output from this modeling did not meet the statistical confidence thresholds required to predict the impact of this variant on IFIH1 protein function. In summary, the available evidence is currently insufficient to determine the role of this variant in disease. Therefore, it has been classified as a Variant of Uncertain Significance.